The following is an entry in ClinVar:

ClinVar aggregate classification (germline): Uncertain significance (1 of 4 stars; one submission).

Allele frequency attached by ClinVar (database versions not stated): gnomAD exomes below 0.00001.
gnomAD v4.1: 2 of 1,592,910 alleles (0.00013%); highest among the groups gnomAD compares: Admixed American, 0.0017%; no homozygotes.

Submission:

Labcorp Genetics (formerly Invitae), Labcorp
Classification: Uncertain significance. Last evaluated: 2024-02-23. Review status: criteria provided, single submitter. Criteria: Invitae Variant Classification Sherloc (09022015). Collection method: clinical testing. Allele origin: germline.
Comment: This sequence change replaces lysine, which is basic and polar, with isoleucine, which is neutral and non-polar, at codon 254 of the RDX protein (p.Lys254Ile). This variant is not present in population databases (gnomAD no frequency). This variant has not been reported in the literature in individuals affected with RDX-related conditions. ClinVar contains an entry for this variant (Variation ID: 1396029). An algorithm developed to predict the effect of missense changes on protein structure and function (PolyPhen-2) suggests that this variant is likely to be tolerated. In summary, the available evidence is currently insufficient to determine the role of this variant in disease. Therefore, it has been classified as a Variant of Uncertain Significance.

NM_002906.4(RDX):c.761A>T (p.Lys254Ile)

Gene: RDX (radixin; minus strand). Cytogenetic location: 11q22.3.
Variant type: single nucleotide variant.
Coding change: c.761A>T on transcript NM_002906.4 (MANE Select); coding-DNA position 761, A replaced by T.
Protein change: p.Lys254Ile; replaces lysine 254 with isoleucine.
Molecular consequence: missense variant. On other transcripts: intron variant (2).
Genome position (GRCh38, 1-based): chr11:110,255,323, T>A on the plus strand (A>T on the coding strand, the complement: RDX is on the minus strand). VCF-style: chr11-110255323-T-A. GRCh37 (hg19) VCF-style: chr11-110126048-T-A.
Other names: c.761A>T, p.Lys254Ile (NM_001260492.2, NM_001260493.2); c.353A>T, p.Lys118Ile (NM_001260494.2); c.-82-7490A>T (NM_001260495.2); c.404+2834A>T (NM_001260496.2); short protein forms K254I, K118I.
Identifiers: ClinVar variation 1396029 (VCV001396029.8), dbSNP rs2134357659, ClinGen allele CA382867634.
Genomic context (GRCh38, chr11:110,255,323, plus strand): 5'-CACAAAATATTAAAGAAATTACTTACAGGTGCCTTTTTGTCGATTGGCTTTATAACAAAT[T>A]TTTTGTCATTAAATGAAATATTTCTGATTTCACTCCAGGGAAAACCAATTTTAGGTGTTA-3'
Protein context (NP_002897.1, residues 244-264): EIRNISFNDK[Lys254Ile]FVIKPIDKKA